The following is an entry in ClinVar:

ClinVar aggregate classification (germline): Uncertain significance. Review status: criteria provided, multiple submitters, no conflicts (2 of 4 stars). 3 submissions from 3 submitters: Uncertain significance (3). Last evaluated 2025-10-02.

Conditions:
Neuronopathy, distal hereditary motor, type 7A. Also called: HMN VIIA; SPINAL MUSCULAR ATROPHY, DISTAL, WITH VOCAL CORD PARALYSIS; Neuronopathy, distal hereditary motor, autosomal dominant 7; Neuronopathy, distal hereditary motor, type viia; NEURONOPATHY, DISTAL HEREDITARY MOTOR, HARDING TYPE VIIA; NEUROPATHY, DISTAL HEREDITARY MOTOR, HARDING TYPE VIIA. Identifiers: Orphanet 139589, MedGen C1834703, MONDO:0008024, OMIM 158580.
Congenital myasthenic syndrome 20. Also called: Myasthenic syndrome, congenital, 20, presynaptic. Identifiers: MedGen C4310694, MONDO:0014939, OMIM 617143.
Inborn genetic diseases. Identifiers: MedGen C0950123, MeSH D030342.

Allele frequency attached by ClinVar (database versions not stated): gnomAD 0.00003 and 0.00004; gnomAD exomes 0.00004 and 0.00006; TOPMed 0.00004; ExAC 0.00006; ESP Exome Variant Server 0.00008.
gnomAD v4.1: 63 of 1,613,862 alleles (0.0039%); highest among the groups gnomAD compares: Non-Finnish European, 0.0049%; no homozygotes.

Submissions (3):

Labcorp Genetics (formerly Invitae), Labcorp
Classification: Uncertain significance for Neuronopathy, distal hereditary motor, type 7A; Congenital myasthenic syndrome 20. Last evaluated: 2025-10-02. Review status: criteria provided, single submitter. Criteria: Invitae Variant Classification Sherloc (09022015). Collection method: clinical testing. Allele origin: germline.
Comment: This sequence change replaces isoleucine, which is neutral and non-polar, with threonine, which is neutral and polar, at codon 291 of the SLC5A7 protein (p.Ile291Thr). This variant is present in population databases (rs375397889, gnomAD 0.009%). This missense change has been observed in individuals with congenital myasthenic syndrome (PMID: 27569547, 36840359). ClinVar contains an entry for this variant (Variation ID: 944584). Invitae Evidence Modeling of protein sequence and biophysical properties (such as structural, functional, and spatial information, amino acid conservation, physicochemical variation, residue mobility, and thermodynamic stability) indicates that this missense variant is expected to disrupt SLC5A7 protein function with a positive predictive value of 80%. In summary, the available evidence is currently insufficient to determine the role of this variant in disease. Therefore, it has been classified as a Variant of Uncertain Significance.

GeneDx
Classification: Uncertain significance. Last evaluated: 2025-01-06. Review status: criteria provided, single submitter. Criteria: GeneDx Variant Classification Process June 2021. Collection method: clinical testing. Allele origin: germline. Affected: yes.
Comment: Seen in patients with apnea and feeding difficulties who harbored an additional SLC5A7 variant in trans or in unknown phase (PMID: 36840359, 27569547); Seen apparently de novo in a patient with distal hyposthenia and progressive lower motor neuron impairment (Buchignani B et al. (2023) Ann Pediatr. 6 (1):1117); In silico analysis supports that this missense variant has a deleterious effect on protein structure/function; This variant is associated with the following publications: (PMID: 36840359, KozhanovaTV2018[CaseReport], 27569547, Buchignani2023[CaseReport])

Ambry Genetics
Classification: Uncertain significance for Inborn genetic diseases. Last evaluated: 2022-08-10. Review status: criteria provided, single submitter. Criteria: Ambry Variant Classification Scheme 2023. Collection method: clinical testing. Allele origin: germline.
Comment: The p.I291T variant (also known as c.872T>C), located in coding exon 6 of the SLC5A7 gene, results from a T to C substitution at nucleotide position 872. The isoleucine at codon 291 is replaced by threonine, an amino acid with similar properties. This alteration has been detected alongside another SLC5A7 missense mutation in an individual with congenital myasthenic syndrome; however, no information on phase was provided (Bauch&eacute; S et al. Am J Hum Genet, 2016 09;99:753-761). This amino acid position is highly conserved in available vertebrate species. In addition, this alteration is predicted to be deleterious by in silico analysis. Based on the supporting evidence, this variant is unlikely to be causative of distal hereditary motor neuronopathy, type VIIA (HMN7A); however, its contribution to the development of congenital myasthenic syndrome, 20, presynaptic (CMS20) is uncertain.

Literature cited by the submitters: PubMed 27569547 (cited by Labcorp Genetics (formerly Invitae), Labcorp and Ambry Genetics); PubMed 36840359 (cited by Labcorp Genetics (formerly Invitae), Labcorp).

NM_021815.5(SLC5A7):c.872T>C (p.Ile291Thr)

Gene: SLC5A7 (solute carrier family 5 member 7; plus strand). Cytogenetic location: 2q12.3.
Variant type: single nucleotide variant.
Coding change: c.872T>C on transcript NM_021815.5 (MANE Select); coding-DNA position 872, T replaced by C.
Protein change: p.Ile291Thr; replaces isoleucine 291 with threonine.
Molecular consequence: missense variant.
Genome position (GRCh38, 1-based): chr2:108,006,179, T>C. VCF-style: chr2-108006179-T-C. GRCh37 (hg19) VCF-style: chr2-108622635-T-C.
Other names: c.872T>C, p.Ile291Thr (NM_001305005.3); c.557T>C, p.Ile186Thr (NM_001305006.3); c.131T>C, p.Ile44Thr (NM_001305007.3); short protein forms I186T, I44T, I291T.
Identifiers: ClinVar variation 944584 (VCV000944584.10), dbSNP rs375397889, ClinGen allele CA1819072.